The following is an entry in ClinVar:

NM_207037.2(TCF12):c.655del (p.Ser219fs)

Gene: TCF12 (transcription factor 12; plus strand). Cytogenetic location: 15q21.3.
Variant type: Deletion.
Coding change: c.655del on transcript NM_207037.2 (MANE Select); coding-DNA position 655, one base deleted (A; older notation c.655delA).
Protein change: p.Ser219fs; shifts the reading frame from serine 219.
Molecular consequence: frameshift variant. On other transcripts: 5 prime UTR variant (1).
Genome position (GRCh38, 1-based): chr15:57,231,227, A deleted. VCF-style (leftmost placement, unchanged base first): chr15-57231226-CA-C. GRCh37 (hg19) VCF-style: chr15-57523424-CA-C.
Other names: c.145del, p.Ser49fs (NM_001306219.3, NM_207040.2); c.87del, p.Val30fs (NM_001306220.3); c.655del, p.Ser219fs (NM_001322151.2, NM_001322152.2, NM_001322157.3 and 7 more transcripts); c.-3del (NM_001322154.2); c.481del, p.Ser161fs (NM_001322156.2, NM_001322158.2); c.691del, p.Ser231fs (NM_001322164.2); short protein forms S161fs, S219fs, S231fs, S49fs, V30fs.
Identifiers: ClinVar variation 3062270 (VCV003062270.1), dbSNP rs2551438273, ClinGen allele CA2695220849.

ClinVar aggregate classification (germline): Likely pathogenic (1 of 4 stars; one submission).

Conditions:
TCF12-related craniosynostosis. Also called: Craniosynostosis 3. Identifiers: Orphanet 35098, Orphanet 35099, Orphanet 672979, MedGen C3715051, MONDO:0014128, OMIM 615314.

Submission:

Molecular Genetics Department, Kulakov National Medical Research Center for Obstetrics, Gynecology and Perinatology
Classification: Likely pathogenic for TCF12-related craniosynostosis. Review status: criteria provided, single submitter. Criteria: ACMG Guidelines, 2015. Collection method: clinical testing. Allele origin: germline. Affected: yes.
Comment: A previously undescribed nucleotide variant creates a frameshift p.Ser219ValfsTer26 in the TCF12 gene. Loss-of-function variants are reported in patients with Craniosynostosis 3, 615314. The variant is not present in population database (gnomAD no frequency). In summary, the currently available evidence indicates that the variant is pathogenic, but additional data are needed to prove that conclusively. Therefore, this variant has been classified as likely pathogenic.